The following is an entry in ClinVar:

ClinVar aggregate classification (germline): Likely benign. Review status: criteria provided, multiple submitters, no conflicts (2 of 4 stars). 3 submissions from 3 submitters: Likely benign (3). Last evaluated 2026-06-11.

Conditions:
SNRNP200-related disorder. Also called: SNRNP200-related condition.

Allele frequency attached by ClinVar (database versions not stated): gnomAD 0.00010; 1000 Genomes Project 0.00020; 1000 Genomes Project 30x 0.00031; gnomAD exomes 0.00001; ExAC 0.00005; TOPMed 0.00006.
gnomAD v4.1: 33 of 1,612,508 alleles (0.002%); highest among the groups gnomAD compares: African/African-American, 0.02%; no homozygotes.

Submissions (3):

PreventionGenetics, part of Exact Sciences
Classification: Likely benign for SNRNP200-related condition. Last evaluated: 2026-06-11. Review status: criteria provided, single submitter. Criteria: ACMG Guidelines, 2015. Collection method: clinical testing. Allele origin: germline.
Comment: This variant is classified as likely benign based on ACMG/AMP sequence variant interpretation guidelines (Richards et al. 2015 PMID: 25741868, with internal and published modifications).

Labcorp Genetics (formerly Invitae), Labcorp
Classification: Likely benign. Last evaluated: 2025-11-04. Review status: criteria provided, single submitter. Criteria: Invitae Variant Classification Sherloc (09022015). Collection method: clinical testing. Allele origin: germline.

Blueprint Genetics
Classification: Likely benign. Last evaluated: 2023-01-09. Review status: criteria provided, single submitter. Criteria: ACMG Guidelines, 2015. Collection method: clinical testing. Allele origin: germline.

NM_014014.5(SNRNP200):c.4916-6G>A

Gene: SNRNP200 (small nuclear ribonucleoprotein U5 subunit 200; minus strand). Cytogenetic location: 2q11.2.
Variant type: single nucleotide variant.
Coding change: c.4916-6G>A on transcript NM_014014.5 (MANE Select); 6 bases into the intron before coding-DNA position 4916, G replaced by A.
Molecular consequence: intron variant.
Genome position (GRCh38, 1-based): chr2:96,281,928, C>T on the plus strand (G>A on the coding strand, the complement: SNRNP200 is on the minus strand). VCF-style: chr2-96281928-C-T. GRCh37 (hg19) VCF-style: chr2-96947666-C-T.
Other names: c.4916-6G>A (NM_014014.4).
Identifiers: ClinVar variation 2420242 (VCV002420242.8), dbSNP rs577564253, ClinGen allele CA1778077.